The following is an entry in ClinVar:

NM_004380.3(CREBBP):c.4509C>G (p.Tyr1503Ter)

Gene: CREBBP (CREB binding lysine acetyltransferase; minus strand). Cytogenetic location: 16p13.3.
Variant type: single nucleotide variant.
Coding change: c.4509C>G on transcript NM_004380.3 (MANE Select); coding-DNA position 4509, C replaced by G.
Protein change: p.Tyr1503Ter; replaces tyrosine 1503 with a stop codon.
Molecular consequence: nonsense.
Genome position (GRCh38, 1-based): chr16:3,736,701, G>C on the plus strand (C>G on the coding strand, the complement: CREBBP is on the minus strand). VCF-style: chr16-3736701-G-C. GRCh37 (hg19) VCF-style: chr16-3786702-G-C.
Other names: c.4395C>G, p.Tyr1465Ter (NM_001079846.1); short protein forms Y1503*, Y1465*.
Identifiers: ClinVar variation 497642 (VCV000497642.7), dbSNP rs1555473105, ClinGen allele CA394563542.

ClinVar aggregate classification (germline): Pathogenic. Review status: criteria provided, multiple submitters, no conflicts (2 of 4 stars). 2 submissions from 2 submitters: Pathogenic (2). Last evaluated 2016-10-05.

Conditions:
Rubinstein-Taybi syndrome due to CREBBP mutations (RSTS1). Also called: CREBBP-Related Rubinstein-Taybi Syndrome; RUBINSTEIN SYNDROME; BROAD THUMBS AND GREAT TOES, CHARACTERISTIC FACIES, AND IMPAIRED INTELLECTUAL DEVELOPMENT; Rubinstein-Taybi syndrome 1; RUBINSTEIN-TAYBI SYNDROME 1, INCOMPLETE; BROAD THUMB-HALLUX SYNDROME. Identifiers: Orphanet 353277, Orphanet 783, MedGen C4551859, MONDO:0008393, OMIM 180849.

Submissions (2):

Eurofins Ntd Llc (ga)
Classification: Pathogenic. Last evaluated: 2016-10-05. Review status: criteria provided, single submitter. Criteria: EGL Classification Definitions 2015. Collection method: clinical testing. Allele origin: germline. Observed: 1 variant allele, 1 heterozygote.

Juno Genomics, Hangzhou Juno Genomics, Inc
Classification: Pathogenic for Rubinstein-Taybi syndrome due to CREBBP mutations. Review status: criteria provided, single submitter. Criteria: ACMG Guidelines, 2015. Collection method: clinical testing. Allele origin: germline. Affected: yes.
Comment: Absent from controls (or at extremely low frequency if recessive) in Genome Aggregation Database, Exome Sequencing Project, 1000 Genomes Project, or Exome Aggregation Consortium.;Null variant in a gene where loss of function (LOF) is a known mechanism of disease.;De novo (both maternity and paternity confirmed) in a patient with the disease and no family history.